The following is an entry in ClinVar:

ClinVar aggregate classification (germline): Uncertain significance. Review status: criteria provided, multiple submitters, no conflicts (2 of 4 stars). 2 submissions from 2 submitters: Uncertain significance (2). Last evaluated 2025-08-09.

Conditions:
Inborn genetic diseases. Identifiers: MedGen C0950123, MeSH D030342.

Allele frequency attached by ClinVar (database versions not stated): gnomAD exomes below 0.00001; ExAC 0.00002; ESP Exome Variant Server 0.00008; gnomAD 0.00011; TOPMed 0.00011.
gnomAD v4.1: 23 of 1,613,566 alleles (0.0014%); highest among the groups gnomAD compares: African/African-American, 0.017%; no homozygotes.

Submissions (2):

Ambry Genetics
Classification: Uncertain significance for Inborn genetic diseases. Last evaluated: 2025-08-09. Review status: criteria provided, single submitter. Criteria: Ambry Variant Classification Scheme 2023. Collection method: clinical testing. Allele origin: germline.

Labcorp Genetics (formerly Invitae), Labcorp
Classification: Uncertain significance. Last evaluated: 2022-04-06. Review status: criteria provided, single submitter. Criteria: Invitae Variant Classification Sherloc (09022015). Collection method: clinical testing. Allele origin: germline.
Comment: This sequence change replaces tyrosine, which is neutral and polar, with histidine, which is basic and polar, at codon 411 of the IREB2 protein (p.Tyr411His). This variant is present in population databases (rs144938417, gnomAD 0.02%). This variant has not been reported in the literature in individuals affected with IREB2-related conditions. Algorithms developed to predict the effect of missense changes on protein structure and function are either unavailable or do not agree on the potential impact of this missense change (SIFT: "Not Available"; PolyPhen-2: "Probably Damaging"; Align-GVGD: "Not Available"). In summary, the available evidence is currently insufficient to determine the role of this variant in disease. Therefore, it has been classified as a Variant of Uncertain Significance.

NM_004136.4(IREB2):c.1231T>C (p.Tyr411His)

Gene: IREB2 (iron responsive element binding protein 2; plus strand). Cytogenetic location: 15q25.1.
Variant type: single nucleotide variant.
Coding change: c.1231T>C on transcript NM_004136.4 (MANE Select); coding-DNA position 1231, T replaced by C.
Protein change: p.Tyr411His; replaces tyrosine 411 with histidine.
Molecular consequence: missense variant.
Genome position (GRCh38, 1-based): chr15:78,478,332, T>C. VCF-style: chr15-78478332-T-C. GRCh37 (hg19) VCF-style: chr15-78770674-T-C.
Other names: c.1231T>C (NM_004136.2); c.481T>C, p.Tyr161His (NM_001320941.2); c.1060T>C, p.Tyr354His (NM_001320942.2, NM_001354994.2); short protein forms Y161H, Y354H, Y411H.
Identifiers: ClinVar variation 2181184 (VCV002181184.2), dbSNP rs144938417, ClinGen allele CA7682921.
Genomic context (GRCh38, chr15:78,478,332, plus strand): 5'-GTTGTTTTGTTCATCTTCGTTTTAGGTTTTAGCAAAGCCAAACTCGAATCAATGGAAACA[T>C]ACCTTAAAGCTGTGAAATTGTTTCGAAATGACCAGAATTCTTCAGGAGAACCTGAATACT-3'
Protein context (NP_004127.2, residues 401-421): SKAKLESMET[Tyr411His]LKAVKLFRND